The following is an entry in ClinVar:

NM_000258.3(MYL3):c.557A>G (p.Glu186Gly)

Gene: MYL3 (myosin light chain 3; minus strand). Cytogenetic location: 3p21.31.
Variant type: single nucleotide variant.
Coding change: c.557A>G on transcript NM_000258.3 (MANE Select); coding-DNA position 557, A replaced by G.
Protein change: p.Glu186Gly; replaces glutamic acid 186 with glycine.
Molecular consequence: missense variant.
Genome position (GRCh38, 1-based): chr3:46,858,386, T>C on the plus strand (A>G on the coding strand, the complement: MYL3 is on the minus strand). VCF-style: chr3-46858386-T-C. GRCh37 (hg19) VCF-style: chr3-46899876-T-C.
Other names: c.368A>G, p.Glu123Gly (NM_001406941.1); c.557A>G, p.Glu186Gly (NM_001406937.1, NM_001406938.1, NM_001406939.1); c.383A>G, p.Glu128Gly (NM_001406940.1); short protein forms E123G, E186G, E128G.
Identifiers: ClinVar variation 3653795 (VCV003653795.2).

ClinVar aggregate classification (germline): Uncertain significance (1 of 4 stars; one submission).

Conditions:
Hypertrophic cardiomyopathy. Also called: HYPERTROPHIC MYOCARDIOPATHY. Identifiers: Orphanet 217569, MedGen C0007194, MeSH D002312, MONDO:0005045, HP:0001639.

gnomAD v4.1: 1 of 1,614,056 alleles (0.000062%); highest among the groups gnomAD compares: Non-Finnish European, 0.000085%; no homozygotes.

Submission:

Labcorp Genetics (formerly Invitae), Labcorp
Classification: Uncertain significance for Hypertrophic cardiomyopathy. Last evaluated: 2024-05-18. Review status: criteria provided, single submitter. Criteria: Invitae Variant Classification Sherloc (09022015). Collection method: clinical testing. Allele origin: germline.
Comment: This sequence change replaces glutamic acid, which is acidic and polar, with glycine, which is neutral and non-polar, at codon 186 of the MYL3 protein (p.Glu186Gly). This variant is not present in population databases (gnomAD no frequency). This variant has not been reported in the literature in individuals affected with MYL3-related conditions. An algorithm developed to predict the effect of missense changes on protein structure and function (PolyPhen-2) suggests that this variant is likely to be disruptive. In summary, the available evidence is currently insufficient to determine the role of this variant in disease. Therefore, it has been classified as a Variant of Uncertain Significance.